The following is an entry in ClinVar:

NC_000020.10:g.(?_49557382)_(49558683_?)dup

Gene: DPM1 (dolichyl-phosphate mannosyltransferase subunit 1, catalytic; minus strand). Cytogenetic location: 20q13.13.
Variant type: Duplication.
Identifiers: ClinVar variation 2424781 (VCV002424781.4).

ClinVar aggregate classification (germline): Uncertain significance (1 of 4 stars; one submission).

Conditions:
Congenital disorder of glycosylation type 1E (CDG1E). Also called: CDG Ie; CONGENITAL DISORDER OF GLYCOSYLATION, TYPE Ie. Identifiers: Orphanet 79322, MedGen C1837396, MONDO:0012123, OMIM 608799.

Submission:

Labcorp Genetics (formerly Invitae), Labcorp
Classification: Uncertain significance for Congenital disorder of glycosylation type 1E. Last evaluated: 2022-04-04. Review status: criteria provided, single submitter. Criteria: Invitae Variant Classification Sherloc (09022015). Collection method: clinical testing. Allele origin: germline.
Comment: In summary, the available evidence is currently insufficient to determine the role of this variant in disease. Therefore, it has been classified as a Variant of Uncertain Significance. Experimental studies and prediction algorithms are not available or were not evaluated, and the functional significance of this variant is currently unknown. This variant has not been reported in the literature in individuals affected with DPM1-related conditions. This variant results in a copy number gain of the genomic region encompassing exon(s) 6-7 of the DPM1 gene. While the exact position of this variant cannot be determined from the data, sub-genic copy number gains are generally in tandem (PMID: 25640679). This variant is predicted to be in-frame, and likely preserves the integrity of the reading frame.

Literature cited by the submitters: PubMed 25640679.